The following is an entry in ClinVar:

ClinVar aggregate classification (germline): Benign/Likely benign. Review status: criteria provided, multiple submitters, no conflicts (2 of 4 stars). 2 submissions from 2 submitters: Benign (1); Likely benign (1). Last evaluated 2026-04-01.

Allele frequency attached by ClinVar (database versions not stated): TOPMed 0.00006; gnomAD 0.00020; gnomAD exomes 0.00035; 1000 Genomes Project 0.00060; ExAC 0.00078; 1000 Genomes Project 30x 0.00094.
gnomAD v4.1: 552 of 1,614,134 alleles (0.034%); highest among the groups gnomAD compares: South Asian, 0.55%; 7 homozygotes.

Submissions (2):

CeGaT Center for Human Genetics Tuebingen
Classification: Likely benign. Last evaluated: 2026-04-01. Review status: criteria provided, single submitter. Criteria: CeGaT Center For Human Genetics Tuebingen Variant Classification Criteria Version 2. Collection method: clinical testing. Allele origin: germline. Affected: yes. Observed: 3 variant alleles.
Comment: CAMTA1: BP4, BP7

Labcorp Genetics (formerly Invitae), Labcorp
Classification: Benign. Last evaluated: 2024-05-15. Review status: criteria provided, single submitter. Criteria: Invitae Variant Classification Sherloc (09022015). Collection method: clinical testing. Allele origin: germline.

NM_015215.4(CAMTA1):c.1230C>T (p.Tyr410=)

Gene: CAMTA1 (calmodulin binding transcription activator 1; plus strand). Cytogenetic location: 1p36.23.
Variant type: single nucleotide variant.
Coding change: c.1230C>T on transcript NM_015215.4 (MANE Select); coding-DNA position 1230, C replaced by T.
Protein change: p.Tyr410=; no amino-acid change (tyrosine 410 retained).
Molecular consequence: synonymous variant.
Genome position (GRCh38, 1-based): chr1:7,663,777, C>T. VCF-style: chr1-7663777-C-T. GRCh37 (hg19) VCF-style: chr1-7723837-C-T.
Other names: c.1140C>T, p.Tyr380= (NM_001349608.2, NM_001349612.2); c.1230C>T, p.Tyr410= (NM_001349609.2, NM_001349610.2, NM_001410737.1); c.1158C>T, p.Tyr386= (NM_001410738.1).
Identifiers: ClinVar variation 2638132 (VCV002638132.27), dbSNP rs544027653, ClinGen allele CA566406.